The following is an entry in ClinVar:

NM_005076.5(CNTN2):c.601G>A (p.Asp201Asn)

Gene: CNTN2 (contactin 2; plus strand). Cytogenetic location: 1q32.1.
Variant type: single nucleotide variant.
Coding change: c.601G>A on transcript NM_005076.5 (MANE Select); coding-DNA position 601, G replaced by A.
Protein change: p.Asp201Asn; replaces aspartic acid 201 with asparagine.
Molecular consequence: missense variant. On other transcripts: non-coding transcript variant (1).
Genome position (GRCh38, 1-based): chr1:205,059,197, G>A. VCF-style: chr1-205059197-G-A. GRCh37 (hg19) VCF-style: chr1-205028325-G-A.
Other names: c.601G>A, p.Asp201Asn (NM_001346083.2); short protein forms D201N.
Identifiers: ClinVar variation 4529996 (VCV004529996.1).
Genomic context (GRCh38, chr1:205,059,197, plus strand): 5'-GGGCGTCACTTCGTGTCCCAGACCACAGGGAACCTGTACATTGCCCGAACCAATGCCTCA[G>A]ACCTGGGCAACTACTCCTGTTTGGCCACCAGCCACATGGACTTCTCCACCAAGAGCGTCT-3'
Protein context (NP_005067.1, residues 191-211): NLYIARTNAS[Asp201Asn]LGNYSCLATS

ClinVar aggregate classification (germline): Uncertain significance (1 of 4 stars; one submission).

gnomAD v4.1: 1 of 1,614,188 alleles (0.000062%); highest among the groups gnomAD compares: Non-Finnish European, 0.000085%; no homozygotes.

Submission:

GeneDx
Classification: Uncertain significance. Last evaluated: 2025-05-15. Review status: criteria provided, single submitter. Criteria: GeneDx Variant Classification Process June 2021. Collection method: clinical testing. Allele origin: germline. Affected: yes.
Comment: Not observed at significant frequency in large population cohorts (gnomAD); In silico analysis supports that this missense variant has a deleterious effect on protein structure/function; Has not been previously published as pathogenic or benign to our knowledge